The following is an entry in ClinVar:

NM_002878.4(RAD51D):c.379G>C (p.Gly127Arg)

Genes: RAD51L3-RFFL (RAD51L3-RFFL readthrough; minus strand), RAD51D (RAD51 paralog D; minus strand). Cytogenetic location: 17q12.
Variant type: single nucleotide variant.
Coding change: c.379G>C on transcript NM_002878.4 (MANE Select); coding-DNA position 379, G replaced by C.
Protein change: p.Gly127Arg; replaces glycine 127 with arginine.
Molecular consequence: missense variant. On other transcripts: non-coding transcript variant (1), intron variant (1).
Genome position (GRCh38, 1-based): chr17:35,107,089, C>G on the plus strand (G>C on the coding strand, the complement: RAD51D is on the minus strand). VCF-style: chr17-35107089-C-G. GRCh37 (hg19) VCF-style: chr17-33434108-C-G.
Other names: c.439G>C, p.Gly147Arg (NM_001142571.2); c.145-608G>C (NM_133629.3); short protein forms G127R, G147R.
Identifiers: ClinVar variation 231316 (VCV000231316.13), dbSNP rs876659085, ClinGen allele CA10580460.

ClinVar aggregate classification (germline): Uncertain significance. Review status: criteria provided, multiple submitters, no conflicts (2 of 4 stars). 2 submissions from 2 submitters: Uncertain significance (2). Last evaluated 2025-05-28.

Conditions:
Hereditary cancer-predisposing syndrome. Also called: Neoplastic Syndromes, Hereditary; Tumor predisposition; Hereditary Cancer Syndrome; Hereditary neoplastic syndrome. Identifiers: Orphanet 140162, MedGen C0027672, MeSH D009386, MONDO:0015356.
Breast-ovarian cancer, familial, susceptibility to, 4. Identifiers: Orphanet 145, MedGen C3280345, MONDO:0013669, OMIM 614291.

Allele frequency attached by ClinVar (database versions not stated): gnomAD 0.00001.

Submissions (2):

Labcorp Genetics (formerly Invitae), Labcorp
Classification: Uncertain significance for Breast-ovarian cancer, familial, susceptibility to, 4. Last evaluated: 2025-05-28. Review status: criteria provided, single submitter. Criteria: Invitae Variant Classification Sherloc (09022015). Collection method: clinical testing. Allele origin: germline.
Comment: This sequence change replaces glycine, which is neutral and non-polar, with arginine, which is basic and polar, at codon 127 of the RAD51D protein (p.Gly127Arg). This variant is not present in population databases (gnomAD no frequency). This variant has not been reported in the literature in individuals affected with RAD51D-related conditions. ClinVar contains an entry for this variant (Variation ID: 231316). Invitae Evidence Modeling of protein sequence and biophysical properties (such as structural, functional, and spatial information, amino acid conservation, physicochemical variation, residue mobility, and thermodynamic stability) indicates that this missense variant is not expected to disrupt RAD51D protein function with a negative predictive value of 80%. In summary, the available evidence is currently insufficient to determine the role of this variant in disease. Therefore, it has been classified as a Variant of Uncertain Significance.

Ambry Genetics
Classification: Uncertain significance for Hereditary cancer-predisposing syndrome. Last evaluated: 2025-03-08. Review status: criteria provided, single submitter. Criteria: Ambry Variant Classification Scheme 2023. Collection method: clinical testing. Allele origin: germline.
Comment: The p.G127R variant (also known as c.379G>C), located in coding exon 5 of the RAD51D gene, results from a G to C substitution at nucleotide position 379. The glycine at codon 127 is replaced by arginine, an amino acid with dissimilar properties. This amino acid position is not well conserved in available vertebrate species. In addition, the in silico prediction for this alteration is inconclusive. Since supporting evidence is limited at this time, the clinical significance of this alteration remains unclear.